The following is an entry in ClinVar:

NM_000352.6(ABCC8):c.4613G>A (p.Arg1538Gln)

Gene: ABCC8 (ATP binding cassette subfamily C member 8; minus strand). Cytogenetic location: 11p15.1.
Variant type: single nucleotide variant.
Coding change: c.4613G>A on transcript NM_000352.6 (MANE Select); coding-DNA position 4613, G replaced by A.
Protein change: p.Arg1538Gln; replaces arginine 1538 with glutamine.
Molecular consequence: missense variant. On other transcripts: non-coding transcript variant (1).
Genome position (GRCh38, 1-based): chr11:17,393,124, C>T on the plus strand (G>A on the coding strand, the complement: ABCC8 is on the minus strand). VCF-style: chr11-17393124-C-T. GRCh37 (hg19) VCF-style: chr11-17414671-C-T.
Other names: c.4616G>A, p.Arg1539Gln (NM_001287174.3); c.4679G>A, p.Arg1560Gln (NM_001351295.2); c.4613G>A, p.Arg1538Gln (NM_001351296.2); c.4610G>A, p.Arg1537Gln (NM_001351297.2); short protein forms R1538Q, R1539Q, R1560Q, R1537Q.
Identifiers: ClinVar variation 585348 (VCV000585348.38), dbSNP rs1564869850, ClinGen allele CA379781519.
Genomic context (GRCh38, chr11:17,393,124, plus strand): 5'-TCAAGGATGGCACCCCGCTTCAGGACGATCACCAGGTCTGCACTCAGGATGGTGTGCACT[C>T]GATGCTGGGCAGGGCAGGAGGGGGCGGGTCAGGATGGTGGGAATACCACCCGCGGTGGGG-3'
Protein context (NP_000343.2, residues 1528-1548): ADRTVVTIAH[Arg1538Gln]VHTILSADLV

ClinVar aggregate classification (germline): Pathogenic/Likely pathogenic. Review status: criteria provided, multiple submitters, no conflicts (2 of 4 stars). 9 submissions from 8 submitters: Pathogenic (6); Likely pathogenic (1). 2 of the submissions do not count toward it. Last evaluated 2025-11-01.

Conditions:
ABCC8-related disorder.
Maturity-onset diabetes of the young (MODY). Also called: Maturity onset diabetes mellitus in young. Identifiers: Orphanet 552, MedGen C0342276, MONDO:0018911, HP:0004904.
Neonatal diabetes mellitus (NDM). Identifiers: Orphanet 224, MedGen C0158981, MONDO:0016391.
Familial hyperinsulinism. Also called: Congenital hyperinsulinism. Identifiers: Orphanet 276525, MedGen C3888018, MONDO:0017182. Disease mechanism: loss of function.

Allele frequency attached by ClinVar (database versions not stated): gnomAD exomes below 0.00001.
gnomAD v4.1: 1 of 1,613,060 alleles (0.000062%); highest among the groups gnomAD compares: Non-Finnish European, 0.000085%; no homozygotes.

Submissions (9):

CeGaT Center for Human Genetics Tuebingen
Classification: Pathogenic. Last evaluated: 2025-11-01. Review status: criteria provided, single submitter. Criteria: CeGaT Center For Human Genetics Tuebingen Variant Classification Criteria Version 2. Collection method: clinical testing. Allele origin: germline. Affected: yes. Observed: 2 variant alleles.
Comment: ABCC8: PP1:Strong, PM1, PM2, PS2:Moderate, PS4:Moderate, PP3, PS3:Supporting

Women's Health and Genetics/Laboratory Corporation of America, LabCorp
Classification: Pathogenic for Familial hyperinsulinism. Last evaluated: 2025-05-05. Review status: criteria provided, single submitter. Criteria: LabCorp Variant Classification Summary - May 2015. Collection method: clinical testing. Allele origin: germline.
Comment: Variant summary: ABCC8 c.4613G>A (p.Arg1538Gln) results in a conservative amino acid change in the encoded protein sequence. Algorithms developed to predict the effect of missense changes on protein structure and function are either unavailable or do not agree on the potential impact of this missense change. The variant was absent in 250682 control chromosomes. c.4613G>A has been observed in multiple heterozygous individuals affected with Familial Hyperinsulinism and one of the individual has been found to be de novo for this variant (Pinney_2008, Park_2011, Casertano_2020, Kapoor_2011). These data indicate that the variant is very likely to be associated with disease. To our knowledge, no experimental evidence demonstrating an impact on protein function has been reported. The following publications have been ascertained in the context of this evaluation (PMID: 32928245, 21674179, 21422196, 18596924, 28270372). ClinVar contains an entry for this variant (Variation ID: 585348). Based on the evidence outlined above, the variant was classified as pathogenic.

Labcorp Genetics (formerly Invitae), Labcorp
Classification: Pathogenic. Last evaluated: 2024-11-21. Review status: criteria provided, single submitter. Criteria: Invitae Variant Classification Sherloc (09022015). Collection method: clinical testing. Allele origin: germline.
Comment: This sequence change replaces arginine, which is basic and polar, with glutamine, which is neutral and polar, at codon 1538 of the ABCC8 protein (p.Arg1538Gln). This variant is not present in population databases (gnomAD no frequency). This missense change has been observed in individual(s) with autosomal dominant congenital hyperinsulinism (PMID: 18596924, 21422196, 21674179, 28270372, 32928245). In at least one individual the variant was observed to be de novo. It has also been observed to segregate with disease in related individuals. This variant is also known as R1539Q. ClinVar contains an entry for this variant (Variation ID: 585348). Invitae Evidence Modeling of protein sequence and biophysical properties (such as structural, functional, and spatial information, amino acid conservation, physicochemical variation, residue mobility, and thermodynamic stability) indicates that this missense variant is expected to disrupt ABCC8 protein function with a positive predictive value of 95%. For these reasons, this variant has been classified as Pathogenic.

GeneDx
Classification: Pathogenic. Last evaluated: 2023-12-20. Review status: criteria provided, single submitter. Criteria: GeneDx Variant Classification Process June 2021. Collection method: clinical testing. Allele origin: germline. Affected: yes.
Comment: Published functional studies demonstrate a damaging effect: impaired ATP-sensitive K+ channel response mechanisms (PMID: 18596924); Not observed at significant frequency in large population cohorts (gnomAD); In silico analysis supports that this missense variant has a deleterious effect on protein structure/function; Also published as R1539Q; This variant is associated with the following publications: (PMID: 32928245, 28270372, 21674179, 18596924, 21422196)

PreventionGenetics, part of Exact Sciences
Classification: Likely pathogenic for ABCC8-related condition. Last evaluated: 2023-08-09. Review status: criteria provided, single submitter. Criteria: ACMG Guidelines, 2015. Collection method: clinical testing. Allele origin: germline.
Comment: The ABCC8 c.4613G>A variant is predicted to result in the amino acid substitution p.Arg1538Gln. Of note, this variant is also known as p.Arg1539Gln with NM_001287174.2. This variant has been reported in multiple individuals with infantile hyperinsulinism and hypoglycemia (See for example, Figure 1, Kapoor et al. 2011. PubMed ID: 21674179; Figure1, Pinney et al. 2008. PubMed ID: 18596924; Table 1, Casertano et al. 2020. PubMed ID: 32928245). In one family this variant was observed to segregate in five affected individuals with hypoglycemia and diabetes, but there was also one asymptomatic carrier individual as well (Kapoor et al. 2011. PubMed ID: 21674179). This variant has not been reported in a large population database, indicating this variant is rare. This variant is interpreted as likely pathogenic.

Genetic Services Laboratory, University of Chicago
Classification: Pathogenic. Last evaluated: 2020-04-02. Review status: criteria provided, single submitter. Criteria: ACMG Guidelines, 2015. Collection method: clinical testing. Allele origin: germline. Affected: yes.

Athena Diagnostics
Classification: Pathogenic. Last evaluated: 2018-01-29. Review status: criteria provided, single submitter. Criteria: Athena Diagnostics Criteria. Collection method: clinical testing. Allele origin: germline.

Clinical Genomics, Uppaluri K&H Personalized Medicine Clinic
Classification: Uncertain risk allele for Neonatal diabetes mellitus. Last evaluated: 2024-05-27. Review status: flagged submission. Criteria: K And H Uppaluri Personalized Medicine Clinic Variant Classification And Assertion Criteria Updated V 2. Collection method: research. Allele origin: unknown. Not counted in ClinVar's aggregate classification.
Comment: This variant is found to be a potent moderate impact, variant with a CADD score of 32 and sufficient scientific evidence of gene-disease correlation. However, since this is not a high impact variant and no variant evidence, this variant is reclassified as Uncertain risk allele.
ClinVar note: Reason: Outlier claim with insufficient supporting evidence

Clinical Genomics, Uppaluri K&H Personalized Medicine Clinic
Classification: Uncertain risk allele for Maturity-onset diabetes of the young. Last evaluated: 2024-05-27. Review status: flagged submission. Criteria: K And H Uppaluri Personalized Medicine Clinic Variant Classification And Assertion Criteria Updated V 2. Collection method: research. Allele origin: unknown. Not counted in ClinVar's aggregate classification.
Comment: This variant is found to be a potent moderate impact, deleterious variant with a CADD score of 32 and sufficient scientific evidence to support gene-disease correlation. However, since this is not a high impact variant and has no variant evidence, this variant is reclassified as Uncertain Risk Allele
ClinVar note: Reason: Outlier claim with insufficient supporting evidence

Literature cited by the submitters: PubMed 18596924 (cited by 3 submitters); PubMed 28270372 (cited by 3 submitters); PubMed 21422196 (cited by 3 submitters); PubMed 32928245 (cited by Women's Health and Genetics/Laboratory Corporation of America, LabCorp and Labcorp Genetics (formerly Invitae), Labcorp); PubMed 21674179 (cited by 3 submitters); PubMed 32376986 (cited by Clinical Genomics, Uppaluri K&H Personalized Medicine Clinic); PubMed 20922570 (cited by Clinical Genomics, Uppaluri K&H Personalized Medicine Clinic); PubMed 17389331 (cited by Clinical Genomics, Uppaluri K&H Personalized Medicine Clinic); PubMed 17919176 (cited by Clinical Genomics, Uppaluri K&H Personalized Medicine Clinic); PubMed 21738553 (cited by Clinical Genomics, Uppaluri K&H Personalized Medicine Clinic); PubMed 33013711 (cited by Clinical Genomics, Uppaluri K&H Personalized Medicine Clinic); PubMed 31216263 (cited by Clinical Genomics, Uppaluri K&H Personalized Medicine Clinic); PubMed 38095268 (cited by Clinical Genomics, Uppaluri K&H Personalized Medicine Clinic); PubMed 38513803 (cited by Clinical Genomics, Uppaluri K&H Personalized Medicine Clinic).